The following is an entry in ClinVar:

NM_001166108.2(PALLD):c.1004T>C (p.Phe335Ser)

Gene: PALLD (palladin, cytoskeletal associated protein; plus strand). Cytogenetic location: 4q32.3.
Variant type: single nucleotide variant.
Coding change: c.1004T>C on transcript NM_001166108.2 (MANE Select); coding-DNA position 1004, T replaced by C.
Protein change: p.Phe335Ser; replaces phenylalanine 335 with serine.
Molecular consequence: missense variant. On other transcripts: 5 prime UTR variant (1).
Genome position (GRCh38, 1-based): chr4:168,668,285, T>C. VCF-style: chr4-168668285-T-C. GRCh37 (hg19) VCF-style: chr4-169589436-T-C.
Other names: p.F335S:TTT>TCT; c.-143T>C (NM_001166109.2); c.1004T>C, p.Phe335Ser (NM_016081.4); short protein forms F335S.
Identifiers: ClinVar variation 128093 (VCV000128093.4), dbSNP rs587780195, ClinGen allele CA288338.

ClinVar aggregate classification (germline): Uncertain significance. Review status: criteria provided, multiple submitters, no conflicts (2 of 4 stars). 2 submissions from 2 submitters: Uncertain significance (2). Last evaluated 2021-08-13.

Submissions (2):

Ambry Genetics
Classification: Uncertain significance. Last evaluated: 2021-08-13. Review status: criteria provided, single submitter. Criteria: Ambry Variant Classification Scheme 2023. Collection method: clinical testing. Allele origin: germline.
Comment: The p.F335S variant (also known as c.1004T>C), located in coding exon 2 of the PALLD gene, results from a T to C substitution at nucleotide position 1004. The phenylalanine at codon 335 is replaced by serine, an amino acid with highly dissimilar properties. This amino acid position is conserved. In addition, this alteration is predicted to be deleterious by in silico analysis. Since supporting evidence is limited at this time, the clinical significance of this alteration remains unclear.

GeneDx
Classification: Uncertain significance. Last evaluated: 2014-02-26. Review status: criteria provided, single submitter. Criteria: GeneDx Variant Classification (06012015). Collection method: clinical testing. Allele origin: germline. Affected: yes.
Comment: PALLD has been only recently described in association with cancer predisposition and the risks are not well understood. This variant is denoted PALLD c.1004T>C at the cDNA level, p.Phe335Ser (F335S) at the protein level, and results in the change of a Phenylalanine to a Serine (TTT>TCT). This variant has not, to our knowledge, been published in the literature as pathogenic or benign. PALLD Phe335Ser was not observed in approximately 6,500 individuals of European and African American ancestry in the NHLBI Exome Sequencing Project, indicating it is not a common benign variant in these populations. Since Phenylalanine and Serine differ in polarity, charge, size or other properties, this is considered a non-conservative amino acid substitution and is likely to affect protein integrity. PALLD Phe335Ser occurs at a position that is well conserved across species and is located in the Ig-like C2-type 1 domain (UniProt). In silico analyses are inconsistent regarding the effect this variant may have on protein structure and function. On a molecular level, the impact of this missense variant on protein structure and function is not known and thus we consider this to be a variant of uncertain significance. Furthermore, based on the currently available information, cancer risks associated with this variant, and the PALLD gene, remain unclear.